The following is an entry in ClinVar:

ClinVar aggregate classification (germline): Uncertain significance (1 of 4 stars; one submission).

Submission:

CeGaT Center for Human Genetics Tuebingen
Classification: Uncertain significance. Last evaluated: 2025-07-01. Review status: criteria provided, single submitter. Criteria: CeGaT Center For Human Genetics Tuebingen Variant Classification Criteria Version 2. Collection method: clinical testing. Allele origin: germline. Affected: yes. Observed: 1 variant allele.
Comment: TRPV4: PM2, PP2, PP3

NM_021625.5(TRPV4):c.1240G>A (p.Val414Met)

Gene: TRPV4 (transient receptor potential cation channel subfamily V member 4; minus strand). Cytogenetic location: 12q24.11.
Variant type: single nucleotide variant.
Coding change: c.1240G>A on transcript NM_021625.5 (MANE Select); coding-DNA position 1240, G replaced by A.
Protein change: p.Val414Met; replaces valine 414 with methionine.
Molecular consequence: missense variant. On other transcripts: intron variant (2).
Genome position (GRCh38, 1-based): chr12:109,796,617, C>T on the plus strand (G>A on the coding strand, the complement: TRPV4 is on the minus strand). VCF-style: chr12-109796617-C-T. GRCh37 (hg19) VCF-style: chr12-110234422-C-T.
Other names: c.1099G>A, p.Val367Met (NM_001177428.2); c.1138G>A, p.Val380Met (NM_001177431.2); c.1011+1997G>A (NM_001177433.1); c.1152+1997G>A (NM_147204.2); short protein forms V367M, V380M, V414M.
Identifiers: ClinVar variation 4084739 (VCV004084739.8).